The following is an entry in ClinVar:

NM_004415.4(DSP):c.2393G>T (p.Cys798Phe)

Gene: DSP (desmoplakin; plus strand). Cytogenetic location: 6p24.3.
Variant type: single nucleotide variant.
Coding change: c.2393G>T on transcript NM_004415.4 (MANE Select); coding-DNA position 2393, G replaced by T.
Protein change: p.Cys798Phe; replaces cysteine 798 with phenylalanine.
Molecular consequence: missense variant.
Genome position (GRCh38, 1-based): chr6:7,574,752, G>T. VCF-style: chr6-7574752-G-T. GRCh37 (hg19) VCF-style: chr6-7574985-G-T.
Other names: c.2393G>T, p.Cys798Phe (NM_001008844.3, NM_001319034.2); short protein forms C798F.
Identifiers: ClinVar variation 3071337 (VCV003071337.1), dbSNP rs2533906443, ClinGen allele CA362681226.
Genomic context (GRCh38, chr6:7,574,752, plus strand): 5'-TCCAAACAGAAGACATGTTAAAGGTTTATGAAGCCAGGCTCACTGAGGAGGAAACTGTCT[G>T]CCTGGACCTGGATAAAGTGGAAGCTTACCGCTGTGGACTGAAGGTAACTTGAAAGCTTAT-3'
Protein context (NP_004406.2, residues 788-808): EARLTEEETV[Cys798Phe]LDLDKVEAYR

ClinVar aggregate classification (germline): Uncertain significance (1 of 4 stars; one submission).

Conditions:
Arrhythmogenic cardiomyopathy with wooly hair and keratoderma. Also called: PALMOPLANTAR KERATODERMA WITH LEFT VENTRICULAR CARDIOMYOPATHY AND WOOLLY HAIR; Carvajal syndrome; Dilated cardiomyopathy with woolly hair and keratoderma; Arrhythmogenic cardiomyopathy with woolly hair and keratoderma. Identifiers: Orphanet 65282, MedGen C1854063, MONDO:0011581, OMIM 605676.

Submission:

All of Us Research Program, National Institutes of Health
Classification: Uncertain significance for Arrhythmogenic cardiomyopathy with wooly hair and keratoderma. Last evaluated: 2023-05-31. Review status: criteria provided, single submitter. Criteria: ACMG Guidelines, 2015. Collection method: clinical testing. Allele origin: germline. Inheritance: Autosomal dominant inheritance. Observed: 1 variant allele, 1 heterozygote.
Comment: This study involves interpretation of variants in research participants for the purpose of population health screening. Participant phenotype was not available at the time of variant classification. Additional details can be found in publication PMID: 35346344, PMCID: PMC8962531